The following is an entry in ClinVar:

NM_001042545.2(LTBP4):c.2673C>T (p.Ser891=)

Gene: LTBP4 (latent transforming growth factor beta binding protein 4; plus strand). Cytogenetic location: 19q13.2.
Variant type: single nucleotide variant.
Coding change: c.2673C>T on transcript NM_001042545.2 (MANE Select); coding-DNA position 2673, C replaced by T.
Protein change: p.Ser891=; no amino-acid change (serine 891 retained).
Molecular consequence: synonymous variant.
Genome position (GRCh38, 1-based): chr19:40,614,031, C>T. VCF-style: chr19-40614031-C-T. GRCh37 (hg19) VCF-style: chr19-41119937-C-T.
Other names: c.2874C>T, p.Ser958= (NM_001042544.1); c.2763C>T, p.Ser921= (NM_003573.2).
Identifiers: ClinVar variation 3032834 (VCV003032834.2), dbSNP rs1378176754, ClinGen allele CA507502640.

ClinVar aggregate classification (germline): Likely benign (0 of 4 stars; one submission).

Conditions:
LTBP4-related disorder. Also called: LTBP4-related condition.

gnomAD v4.1: 1 of 1,612,770 alleles (0.000062%); highest among the groups gnomAD compares: South Asian, 0.0011%; no homozygotes.

Submission:

PreventionGenetics, part of Exact Sciences
Classification: Likely benign for LTBP4-related condition. Last evaluated: 2020-08-14. Review status: no assertion criteria provided. Collection method: clinical testing. Allele origin: germline.
Comment: This variant is classified as likely benign based on ACMG/AMP sequence variant interpretation guidelines (Richards et al. 2015 PMID: 25741868, with internal and published modifications).